The following is an entry in ClinVar:

NM_014975.3(MAST1):c.4413C>T (p.Pro1471=)

Gene: MAST1 (microtubule associated serine/threonine kinase 1; plus strand). Cytogenetic location: 19p13.13.
Variant type: single nucleotide variant.
Coding change: c.4413C>T on transcript NM_014975.3 (MANE Select); coding-DNA position 4413, C replaced by T.
Protein change: p.Pro1471=; no amino-acid change (proline 1471 retained).
Molecular consequence: synonymous variant.
Genome position (GRCh38, 1-based): chr19:12,874,570, C>T. VCF-style: chr19-12874570-C-T. GRCh37 (hg19) VCF-style: chr19-12985384-C-T.
Other names: c.4413C>T (NM_014975.2).
Identifiers: ClinVar variation 2067318 (VCV002067318.29), dbSNP rs201987035, ClinGen allele CA9233567.
Genomic context (GRCh38, chr19:12,874,570, plus strand): 5'-GCCTCTGGGCGCGGACTCCAAGGGGTTGCAGGAACCCGCACCCCTGGCGCCTTCCGTGCC[C>T]GAGGCCCCCCGGGGCCGGGAGCGCTGGGTGTTGGAGGTGGTGGAGGAGCGCACCACGCTG-3'
Protein context (NP_055790.1, residues 1461-1481): QEPAPLAPSV[Pro1471=]EAPRGRERWV

ClinVar aggregate classification (germline): Benign/Likely benign. Review status: criteria provided, multiple submitters, no conflicts (2 of 4 stars). 3 submissions from 3 submitters: Benign (1); Likely benign (1). 1 of the submissions does not count toward it. Last evaluated 2025-10-02.

Conditions:
MAST1-related disorder. Also called: MAST1-related condition.

Allele frequency attached by ClinVar (database versions not stated): ExAC 0.00034; gnomAD exomes 0.00037; 1000 Genomes Project 30x 0.00047; 1000 Genomes Project 0.00060; ESP Exome Variant Server 0.00079; gnomAD 0.00085; TOPMed 0.00102.
gnomAD v4.1: 631 of 1,506,462 alleles (0.042%); highest among the groups gnomAD compares: African/African-American, 0.22%; 1 homozygote.

Submissions (3):

Labcorp Genetics (formerly Invitae), Labcorp
Classification: Benign. Last evaluated: 2025-10-02. Review status: criteria provided, single submitter. Criteria: Invitae Variant Classification Sherloc (09022015). Collection method: clinical testing. Allele origin: germline.

CeGaT Center for Human Genetics Tuebingen
Classification: Likely benign. Last evaluated: 2023-04-01. Review status: criteria provided, single submitter. Criteria: CeGaT Center For Human Genetics Tuebingen Variant Classification Criteria Version 2. Collection method: clinical testing. Allele origin: germline. Affected: yes. Observed: 1 variant allele.
Comment: MAST1: BP4, BP7

PreventionGenetics, part of Exact Sciences
Classification: Likely benign for MAST1-related condition. Last evaluated: 2022-12-20. Review status: no assertion criteria provided. Collection method: clinical testing. Allele origin: germline. Not counted in ClinVar's aggregate classification.
Comment: This variant is classified as likely benign based on ACMG/AMP sequence variant interpretation guidelines (Richards et al. 2015 PMID: 25741868, with internal and published modifications).